The following is an entry in ClinVar:

NM_003630.3(PEX3):c.647T>C (p.Val216Ala)

Gene: PEX3 (peroxisomal biogenesis factor 3; plus strand). Cytogenetic location: 6q24.2.
Variant type: single nucleotide variant.
Coding change: c.647T>C on transcript NM_003630.3 (MANE Select); coding-DNA position 647, T replaced by C.
Protein change: p.Val216Ala; replaces valine 216 with alanine.
Molecular consequence: missense variant.
Genome position (GRCh38, 1-based): chr6:143,472,228, T>C. VCF-style: chr6-143472228-T-C. GRCh37 (hg19) VCF-style: chr6-143793365-T-C.
Other names: short protein forms V216A.
Identifiers: ClinVar variation 1354464 (VCV001354464.8), dbSNP rs1173842354, ClinGen allele CA365912282.
Genomic context (GRCh38, chr6:143,472,228, plus strand): 5'-TTAAACATTCTTTGTCCCTTTTGGACTTGGAGCAAAAACTAAAAGAAATCAGAAATCTCG[T>C]TGAGCAGCATAAGTCTTCTTCTTGGATTAATAAAGATGGATCCAAACCTTTATTATGCCA-3'
Protein context (NP_003621.1, residues 206-226): EQKLKEIRNL[Val216Ala]EQHKSSSWIN

ClinVar aggregate classification (germline): Uncertain significance (1 of 4 stars; one submission).

Allele frequency attached by ClinVar (database versions not stated): gnomAD 0.00001.
gnomAD v4.1: 3 of 1,608,316 alleles (0.00019%); highest among the groups gnomAD compares: Admixed American, 0.0017%; no homozygotes.

Submission:

Labcorp Genetics (formerly Invitae), Labcorp
Classification: Uncertain significance. Last evaluated: 2022-08-10. Review status: criteria provided, single submitter. Criteria: Invitae Variant Classification Sherloc (09022015). Collection method: clinical testing. Allele origin: germline.
Comment: In summary, the available evidence is currently insufficient to determine the role of this variant in disease. Therefore, it has been classified as a Variant of Uncertain Significance. ClinVar contains an entry for this variant (Variation ID: 1354464). Algorithms developed to predict the effect of missense changes on protein structure and function are either unavailable or do not agree on the potential impact of this missense change (SIFT: "Deleterious"; PolyPhen-2: "Benign"; Align-GVGD: "Class C25"). This variant has not been reported in the literature in individuals affected with PEX3-related conditions. This sequence change replaces valine, which is neutral and non-polar, with alanine, which is neutral and non-polar, at codon 216 of the PEX3 protein (p.Val216Ala). This variant is not present in population databases (gnomAD no frequency).